The following is an entry in ClinVar:

ClinVar aggregate classification (germline): Uncertain significance. Review status: criteria provided, multiple submitters, no conflicts (2 of 4 stars). 3 submissions from 3 submitters: Uncertain significance (3). Last evaluated 2026-04-07.

Conditions:
YARS1-related disorder. Also called: YARS1-related condition.
Inborn genetic diseases. Identifiers: MedGen C0950123, MeSH D030342.
Charcot-Marie-Tooth disease dominant intermediate C (CMTDIC). Also called: CHARCOT-MARIE-TOOTH NEUROPATHY, DOMINANT INTERMEDIATE C. Identifiers: Orphanet 100045, MedGen C1842237, MONDO:0012012, OMIM 608323.

Allele frequency attached by ClinVar (database versions not stated): TOPMed 0.00005; gnomAD 0.00008 and 0.00009; ESP Exome Variant Server 0.00015; 1000 Genomes Project 0.00020; 1000 Genomes Project 30x 0.00031.

Submissions (3):

PreventionGenetics, part of Exact Sciences
Classification: Uncertain significance for YARS1-related condition. Last evaluated: 2026-04-07. Review status: criteria provided, single submitter. Criteria: ACMG Guidelines, 2015. Collection method: clinical testing. Allele origin: germline.
Comment: The YARS1 c.347A>T variant is predicted to result in the amino acid substitution p.Lys116Met. To our knowledge, this variant has not been reported in the literature. This variant is reported in 0.040% of alleles in individuals of African descent in gnomAD. At this time, the clinical significance of this variant is uncertain due to the absence of conclusive functional and genetic evidence.

Ambry Genetics
Classification: Uncertain significance for Inborn genetic diseases. Last evaluated: 2025-01-21. Review status: criteria provided, single submitter. Criteria: Ambry Variant Classification Scheme 2023. Collection method: clinical testing. Allele origin: germline.

Labcorp Genetics (formerly Invitae), Labcorp
Classification: Uncertain significance for Charcot-Marie-Tooth disease dominant intermediate C. Last evaluated: 2024-11-04. Review status: criteria provided, single submitter. Criteria: Invitae Variant Classification Sherloc (09022015). Collection method: clinical testing. Allele origin: germline.
Comment: This sequence change replaces lysine, which is basic and polar, with methionine, which is neutral and non-polar, at codon 116 of the YARS protein (p.Lys116Met). This variant is present in population databases (rs148823175, gnomAD 0.04%). This variant has not been reported in the literature in individuals affected with YARS-related conditions. ClinVar contains an entry for this variant (Variation ID: 835179). Invitae Evidence Modeling of protein sequence and biophysical properties (such as structural, functional, and spatial information, amino acid conservation, physicochemical variation, residue mobility, and thermodynamic stability) indicates that this missense variant is expected to disrupt YARS protein function with a positive predictive value of 80%. In summary, the available evidence is currently insufficient to determine the role of this variant in disease. Therefore, it has been classified as a Variant of Uncertain Significance.

NM_003680.4(YARS1):c.347A>T (p.Lys116Met)

Gene: YARS1 (tyrosyl-tRNA synthetase 1; minus strand). Cytogenetic location: 1p35.1.
Variant type: single nucleotide variant.
Coding change: c.347A>T on transcript NM_003680.4 (MANE Select); coding-DNA position 347, A replaced by T.
Protein change: p.Lys116Met; replaces lysine 116 with methionine.
Molecular consequence: missense variant.
Genome position (GRCh38, 1-based): chr1:32,810,624, T>A on the plus strand (A>T on the coding strand, the complement: YARS1 is on the minus strand). VCF-style: chr1-32810624-T-A. GRCh37 (hg19) VCF-style: chr1-33276225-T-A.
Other names: short protein forms K116M.
Identifiers: ClinVar variation 835179 (VCV000835179.10), dbSNP rs148823175, ClinGen allele CA745227.
Genomic context (GRCh38, chr1:32,810,624, plus strand): 5'-AAGGAGGGTGGATGATCAAGCACTTACTTGCTGAGCTGGTAATCAGTGCCTTTGATGAAC[T>A]TGAGCTTCTCCAAGGGCACACCAATGCTCTCCAGCATTGCTTTGATCACATTCTCATAGT-3'
Protein context (NP_003671.1, residues 106-126): ESIGVPLEKL[Lys116Met]FIKGTDYQLS